The following is an entry in ClinVar:

NM_174916.3(UBR1):c.2629A>G (p.Lys877Glu)

Gene: UBR1 (ubiquitin protein ligase E3 component n-recognin 1; minus strand). Cytogenetic location: 15q15.2.
Variant type: single nucleotide variant.
Coding change: c.2629A>G on transcript NM_174916.3 (MANE Select); coding-DNA position 2629, A replaced by G.
Protein change: p.Lys877Glu; replaces lysine 877 with glutamic acid.
Molecular consequence: missense variant.
Genome position (GRCh38, 1-based): chr15:43,024,939, T>C on the plus strand (A>G on the coding strand, the complement: UBR1 is on the minus strand). VCF-style: chr15-43024939-T-C. GRCh37 (hg19) VCF-style: chr15-43317137-T-C.
Other names: c.2629A>G (NM_174916.2); short protein forms K877E.
Identifiers: ClinVar variation 1502135 (VCV001502135.6), dbSNP rs1000752634, ClinGen allele CA269953146.

ClinVar aggregate classification (germline): Uncertain significance. Review status: criteria provided, multiple submitters, no conflicts (2 of 4 stars). 2 submissions from 2 submitters: Uncertain significance (2). Last evaluated 2025-09-28.

Conditions:
Inborn genetic diseases. Identifiers: MedGen C0950123, MeSH D030342.

Allele frequency attached by ClinVar (database versions not stated): gnomAD exomes below 0.00001; TOPMed 0.00001.

Submissions (2):

Ambry Genetics
Classification: Uncertain significance for Inborn genetic diseases. Last evaluated: 2025-09-28. Review status: criteria provided, single submitter. Criteria: Ambry Variant Classification Scheme 2023. Collection method: clinical testing. Allele origin: germline.

Labcorp Genetics (formerly Invitae), Labcorp
Classification: Uncertain significance. Last evaluated: 2022-08-16. Review status: criteria provided, single submitter. Criteria: Invitae Variant Classification Sherloc (09022015). Collection method: clinical testing. Allele origin: germline.
Comment: This sequence change replaces lysine, which is basic and polar, with glutamic acid, which is acidic and polar, at codon 877 of the UBR1 protein (p.Lys877Glu). This variant is not present in population databases (gnomAD no frequency). This variant has not been reported in the literature in individuals affected with UBR1-related conditions. ClinVar contains an entry for this variant (Variation ID: 1502135). Algorithms developed to predict the effect of missense changes on protein structure and function (SIFT, PolyPhen-2, Align-GVGD) all suggest that this variant is likely to be tolerated. In summary, the available evidence is currently insufficient to determine the role of this variant in disease. Therefore, it has been classified as a Variant of Uncertain Significance.